The following is an entry in ClinVar:

NM_001365088.1(SLC12A6):c.1591+2T>A

Gene: SLC12A6 (solute carrier family 12 member 6; minus strand). Cytogenetic location: 15q14.
Variant type: single nucleotide variant.
Coding change: c.1591+2T>A on transcript NM_001365088.1 (MANE Select); the canonical splice donor site of the intron after coding-DNA position 1591, T replaced by A.
Molecular consequence: splice donor variant.
Genome position (GRCh38, 1-based): chr15:34,250,629, A>T on the plus strand (T>A on the coding strand, the complement: SLC12A6 is on the minus strand). VCF-style: chr15-34250629-A-T. GRCh37 (hg19) VCF-style: chr15-34542830-A-T.
Other names: c.1414+2T>A (NM_001042495.2, NM_001042494.2); c.1564+2T>A (NM_001042496.2); c.1546+2T>A (NM_001042497.2); c.1591+2T>A (NM_133647.2); c.1438+2T>A (NM_005135.2).
Identifiers: ClinVar variation 2865909 (VCV002865909.3), dbSNP rs2509802259, ClinGen allele CA391605504.

ClinVar aggregate classification (germline): Likely pathogenic (1 of 4 stars; one submission).

Submission:

Labcorp Genetics (formerly Invitae), Labcorp
Classification: Likely pathogenic. Last evaluated: 2023-05-19. Review status: criteria provided, single submitter. Criteria: Invitae Variant Classification Sherloc (09022015). Collection method: clinical testing. Allele origin: germline.
Comment: In summary, the currently available evidence indicates that the variant is pathogenic, but additional data are needed to prove that conclusively. Therefore, this variant has been classified as Likely Pathogenic. Algorithms developed to predict the effect of sequence changes on RNA splicing suggest that this variant may disrupt the consensus splice site. This variant has not been reported in the literature in individuals affected with SLC12A6-related conditions. This variant is not present in population databases (gnomAD no frequency). This sequence change affects a donor splice site in intron 11 of the SLC12A6 gene. It is expected to disrupt RNA splicing. Variants that disrupt the donor or acceptor splice site typically lead to a loss of protein function (PMID: 16199547), and loss-of-function variants in SLC12A6 are known to be pathogenic (PMID: 12368912, 16606917).

Literature cited by the submitters: PubMed 16199547; PubMed 12368912; PubMed 16606917.